The following is an entry in ClinVar:

NM_031475.3(ESPN):c.1104T>G (p.Phe368Leu)

Gene: ESPN (espin; plus strand). Cytogenetic location: 1p36.31.
Variant type: single nucleotide variant.
Coding change: c.1104T>G on transcript NM_031475.3 (MANE Select); coding-DNA position 1104, T replaced by G.
Protein change: p.Phe368Leu; replaces phenylalanine 368 with leucine.
Molecular consequence: missense variant.
Genome position (GRCh38, 1-based): chr1:6,444,594, T>G. VCF-style: chr1-6444594-T-G. GRCh37 (hg19) VCF-style: chr1-6504654-T-G.
Other names: c.1104T>G, p.Phe368Leu (NM_001367473.1, NM_001367474.1); short protein forms F368L.
Identifiers: ClinVar variation 163413 (VCV000163413.19), dbSNP rs142638391, ClinGen allele CA176053.

ClinVar aggregate classification (germline): Benign/Likely benign. Review status: criteria provided, multiple submitters, no conflicts (2 of 4 stars). 6 submissions from 6 submitters: Benign (3); Likely benign (3). Last evaluated 2026-01-06.

Allele frequency attached by ClinVar (database versions not stated): gnomAD exomes 0.00031 and 0.00095; ExAC 0.00109; 1000 Genomes Project 0.00319; ESP Exome Variant Server 0.00346; 1000 Genomes Project 30x 0.00375; gnomAD 0.00386 and 0.00418; TOPMed 0.00409.
gnomAD v4.1: 1,048 of 1,614,218 alleles (0.065%); highest among the groups gnomAD compares: African/African-American, 1.2%; 7 homozygotes.

Submissions (6):

Labcorp Genetics (formerly Invitae), Labcorp
Classification: Benign. Last evaluated: 2026-01-06. Review status: criteria provided, single submitter. Criteria: Invitae Variant Classification Sherloc (09022015). Collection method: clinical testing. Allele origin: germline.

Blueprint Genetics
Classification: Likely benign. Last evaluated: 2024-10-22. Review status: criteria provided, single submitter. Criteria: ACMG Guidelines, 2015. Collection method: clinical testing. Allele origin: germline.

GeneDx
Classification: Benign. Last evaluated: 2019-12-31. Review status: criteria provided, single submitter. Criteria: GeneDx Variant Classification Process June 2021. Collection method: clinical testing. Allele origin: germline. Affected: yes.

Center for Pediatric Genomic Medicine, Children's Mercy Hospital and Clinics
Classification: Likely benign. Last evaluated: 2016-07-22. Review status: criteria provided, single submitter. Criteria: ACMG Guidelines, 2015. Collection method: clinical testing. Allele origin: germline.
ClinVar note: Converted during submission from Likely Benign to Likely benign.

Laboratory for Molecular Medicine, Mass General Brigham Personalized Medicine
Classification: Benign. Last evaluated: 2012-04-30. Review status: criteria provided, single submitter. Criteria: LMM Criteria. Collection method: clinical testing. Allele origin: germline. Observed: 5 variant alleles.
Comment: Phe368Leu in Exon 06 of ESPN: This variant is not expected to have clinical sign ificance because it has been identified in 1.0% (36/3738) of African American ch romosomes from a broad population by the NHLBI Exome Sequencing Project (dbSNP rs142638391).

Breakthrough Genomics
Classification: Likely benign. Review status: criteria provided, single submitter. Criteria: ACMG Guidelines, 2015. Collection method: not provided. Allele origin: germline. Inheritance: Autosomal recessive inheritance. Affected: yes.